The following is an entry in ClinVar:

NM_001625.4(AK2):c.557G>A (p.Arg186His)

Gene: AK2 (adenylate kinase 2; minus strand). Cytogenetic location: 1p35.1.
Variant type: single nucleotide variant.
Coding change: c.557G>A on transcript NM_001625.4 (MANE Select); coding-DNA position 557, G replaced by A.
Protein change: p.Arg186His; replaces arginine 186 with histidine.
Molecular consequence: missense variant. On other transcripts: 3 prime UTR variant (1), non-coding transcript variant (1).
Genome position (GRCh38, 1-based): chr1:33,013,344, C>T on the plus strand (G>A on the coding strand, the complement: AK2 is on the minus strand). VCF-style: chr1-33013344-C-T. GRCh37 (hg19) VCF-style: chr1-33478945-C-T.
Other names: c.533G>A, p.Arg178His (NM_001199199.3); c.413G>A, p.Arg138His (NM_001319139.3, NM_001319140.2); c.557G>A, p.Arg186His (NM_001319141.3, NM_013411.5); c.431G>A, p.Arg144His (NM_001319142.3); c.*60G>A (NM_001319143.2); short protein forms R138H, R144H, R178H, R186H.
Identifiers: ClinVar variation 1052725 (VCV001052725.12), dbSNP rs754485826, ClinGen allele CA747069.

ClinVar aggregate classification (germline): Uncertain significance. Review status: criteria provided, multiple submitters, no conflicts (2 of 4 stars). 2 submissions from 2 submitters: Uncertain significance (2). Last evaluated 2020-04-14.

Conditions:
Reticular dysgenesis. Also called: ALEUKOCYTOSIS; CONGENITAL ALEUKIA; HEMATOPOIETIC HYPOPLASIA, GENERALIZED; RETICULAR DYSGENESIA; SEVERE COMBINED IMMUNODEFICIENCY WITH LEUKOPENIA; DeVaal disease. Identifiers: Orphanet 33355, MedGen C0272167, MONDO:0009973, OMIM 267500.

Allele frequency attached by ClinVar (database versions not stated): gnomAD 0.00003; gnomAD exomes 0.00003; ExAC 0.00006.
gnomAD v4.1: 25 of 1,613,964 alleles (0.0015%); highest among the groups gnomAD compares: Non-Finnish European, 0.0018%; no homozygotes.

Submissions (2):

Labcorp Genetics (formerly Invitae), Labcorp
Classification: Uncertain significance for Reticular dysgenesis. Last evaluated: 2020-04-14. Review status: criteria provided, single submitter. Criteria: Invitae Variant Classification Sherloc (09022015). Collection method: clinical testing. Allele origin: germline.
Comment: In summary, the available evidence is currently insufficient to determine the role of this variant in disease. Therefore, it has been classified as a Variant of Uncertain Significance. Algorithms developed to predict the effect of missense changes on protein structure and function are either unavailable or do not agree on the potential impact of this missense change (SIFT: "Deleterious"; PolyPhen-2: "Benign"; Align-GVGD: "Class C0"). This variant has not been reported in the literature in individuals with AK2-related conditions. This variant is present in population databases (rs754485826, ExAC 0.01%). This sequence change replaces arginine with histidine at codon 186 of the AK2 protein (p.Arg186His). The arginine residue is highly conserved and there is a small physicochemical difference between arginine and histidine.

Revvity Omics, Revvity
Classification: Uncertain significance for Reticular dysgenesis. Last evaluated: 2019-01-11. Review status: criteria provided, single submitter. Criteria: ACMG Guidelines, 2015. Collection method: clinical testing. Allele origin: germline.